The following is an entry in ClinVar:

NM_001130987.2(DYSF):c.3229C>G (p.His1077Asp)

Gene: DYSF (dysferlin; plus strand). Cytogenetic location: 2p13.2.
Variant type: single nucleotide variant.
Coding change: c.3229C>G on transcript NM_001130987.2 (MANE Select); coding-DNA position 3229, C replaced by G.
Protein change: p.His1077Asp; replaces histidine 1077 with aspartic acid.
Molecular consequence: missense variant.
Genome position (GRCh38, 1-based): chr2:71,574,198, C>G. VCF-style: chr2-71574198-C-G. GRCh37 (hg19) VCF-style: chr2-71801328-C-G.
Other names: c.3178C>G, p.His1060Asp (NM_001130455.2, NM_001130983.2); c.3133C>G, p.His1045Asp (NM_001130976.2, NM_001130977.2); c.3175C>G, p.His1059Asp (NM_001130978.2, NM_003494.4); c.3268C>G, p.His1090Asp (NM_001130979.2); c.3226C>G, p.His1076Asp (NM_001130980.2, NM_001130981.2); c.3271C>G, p.His1091Asp (NM_001130982.2); c.3136C>G, p.His1046Asp (NM_001130984.2, NM_001130986.2); c.3229C>G, p.His1077Asp (NM_001130985.2); short protein forms H1076D, H1059D, H1060D, H1090D, H1045D, H1046D, H1077D, H1091D.
Identifiers: ClinVar variation 2170385 (VCV002170385.1), dbSNP rs147886481, ClinGen allele CA1706487.
Genomic context (GRCh38, chr2:71,574,198, plus strand): 5'-AGCACAGAACTCCCCCCAGCCTTCCCACCGGCCTCTGAGTCTGCCCCTTCTCTTGTGCAG[C>G]ACAGGCAGGCGGAGGCGGAGGGCGAGGGCTGGGAGTACGCCTCTCTTTTTGGCTGGAAGT-3'
Protein context (NP_001124459.1, residues 1067-1087): DLSQMEALKR[His1077Asp]RQAEAEGEGW

ClinVar aggregate classification (germline): Uncertain significance (1 of 4 stars; one submission).

Conditions:
Neuromuscular disease caused by qualitative or quantitative defects of dysferlin. Also called: Dysferlinopathy; Qualitative or quantitative defects of dysferlin. Identifiers: Orphanet 207073, MedGen C2931687, MONDO:0016145.

Allele frequency attached by ClinVar (database versions not stated): gnomAD exomes below 0.00001; ExAC 0.00002.
gnomAD v4.1: 5 of 1,613,394 alleles (0.00031%); highest among the groups gnomAD compares: African/African-American, 0.0053%; no homozygotes.

Submission:

Labcorp Genetics (formerly Invitae), Labcorp
Classification: Uncertain significance for Neuromuscular disease caused by qualitative or quantitative defects of dysferlin. Last evaluated: 2022-07-21. Review status: criteria provided, single submitter. Criteria: Invitae Variant Classification Sherloc (09022015). Collection method: clinical testing. Allele origin: germline.
Comment: This sequence change replaces histidine, which is basic and polar, with aspartic acid, which is acidic and polar, at codon 1059 of the DYSF protein (p.His1059Asp). This variant is present in population databases (rs147886481, gnomAD 0.01%). This variant has not been reported in the literature in individuals affected with DYSF-related conditions. Algorithms developed to predict the effect of missense changes on protein structure and function (SIFT, PolyPhen-2, Align-GVGD) all suggest that this variant is likely to be tolerated. Algorithms developed to predict the effect of sequence changes on RNA splicing suggest that this variant may disrupt the consensus splice site. In summary, the available evidence is currently insufficient to determine the role of this variant in disease. Therefore, it has been classified as a Variant of Uncertain Significance.